The following is an entry in ClinVar:

NM_005121.3(MED13):c.552A>T (p.Gln184His)

Gene: MED13 (mediator complex subunit 13; minus strand). Cytogenetic location: 17q23.2.
Variant type: single nucleotide variant.
Coding change: c.552A>T on transcript NM_005121.3 (MANE Select); coding-DNA position 552, A replaced by T.
Protein change: p.Gln184His; replaces glutamine 184 with histidine.
Molecular consequence: missense variant.
Genome position (GRCh38, 1-based): chr17:62,035,527, T>A on the plus strand (A>T on the coding strand, the complement: MED13 is on the minus strand). VCF-style: chr17-62035527-T-A. GRCh37 (hg19) VCF-style: chr17-60112888-T-A.
Other names: short protein forms Q184H.
Identifiers: ClinVar variation 4743169 (VCV004743169.1).
Genomic context (GRCh38, chr17:62,035,527, plus strand): 5'-AAATGGGCTATTAGACTGTTGAGCAAGGGTGATATGCTCTTCACTGAGAAGGTATACAGG[T>A]TGATGTTGGTTAATTTCCACACTGGTACAAACATTGCTGTCTCCATGCAAGAAAAAGGTG-3'
Protein context (NP_005112.2, residues 174-194): VCTSVEINQH[Gln184His]PVYLLSEEHI

ClinVar aggregate classification (germline): Uncertain significance (1 of 4 stars; one submission).

Submission:

Labcorp Genetics (formerly Invitae), Labcorp
Classification: Uncertain significance. Last evaluated: 2025-07-22. Review status: criteria provided, single submitter. Criteria: Invitae Variant Classification Sherloc (09022015). Collection method: clinical testing. Allele origin: germline.
Comment: This sequence change replaces glutamine, which is neutral and polar, with histidine, which is basic and polar, at codon 184 of the MED13 protein (p.Gln184His). This variant is not present in population databases (gnomAD no frequency). This variant has not been reported in the literature in individuals affected with MED13-related conditions. Invitae Evidence Modeling of protein sequence and biophysical properties (such as structural, functional, and spatial information, amino acid conservation, physicochemical variation, residue mobility, and thermodynamic stability) indicates that this missense variant is expected to disrupt MED13 protein function with a positive predictive value of 80%. In summary, the available evidence is currently insufficient to determine the role of this variant in disease. Therefore, it has been classified as a Variant of Uncertain Significance.